The following is an entry in ClinVar:

ClinVar aggregate classification (germline): Likely benign. Review status: criteria provided, multiple submitters, no conflicts (2 of 4 stars). 4 submissions from 4 submitters: Likely benign (3). 1 of the submissions does not count toward it. Last evaluated 2025-09-01.

Conditions:
Polycystic kidney disease. Also called: Kidney, Polycystic; Polycystic kidney dysplasia. Identifiers: MedGen C0022680, MeSH D007690, MONDO:0020642, HP:0000113.

Submissions (4):

CeGaT Center for Human Genetics Tuebingen
Classification: Likely benign. Last evaluated: 2025-09-01. Review status: criteria provided, single submitter. Criteria: CeGaT Center For Human Genetics Tuebingen Variant Classification Criteria Version 2. Collection method: clinical testing. Allele origin: germline. Affected: yes. Observed: 2 variant alleles.
Comment: PKD1: BP4, BS1

Blueprint Genetics
Classification: Likely benign. Last evaluated: 2024-10-22. Review status: criteria provided, single submitter. Criteria: ACMG Guidelines, 2015. Collection method: clinical testing. Allele origin: germline.

PreventionGenetics, part of Exact Sciences
Classification: Likely benign. Review status: criteria provided, single submitter. Criteria: ACMG Guidelines, 2015. Collection method: clinical testing. Allele origin: germline.

Department of Pathology and Laboratory Medicine, Sinai Health System
Classification: Likely benign for Polycystic Kidney disease. Review status: no assertion criteria provided. Collection method: clinical testing. Allele origin: unknown. Affected: yes. Study: The Canadian Open Genetics Repository (COGR). Not counted in ClinVar's aggregate classification.
Comment: The PKD1 c.10822-8del variant was not identified in the literature nor was it identified in the LOVD 3.0 or PKD1-LOVD databases. The variant was identified in dbSNP (ID: rs373684171) asâ€šÃ„Ã¹ With Likely benign alleleâ€šÃ„Ã¹, ClinVar (1x as likely benign by Prevention Genetics) and ADPKD Mutation Database (as likely neutral). The variant was identified in control databases in 226 of 219400 chromosomes at a frequency of 0.001 increasing the likelihood this could be a low frequency benign variant (Genome Aggregation Database Feb 27, 2017). The variant was observed in the following populations: East Asian in 216 of 16066 chromosomes (freq: 0.01), Other in 4 of 6032 chromosomes (freq: 0.0006), South Asian in 6 of 25884 chromosomes (freq: 0.0002), while the variant was not observed in the African, Ashkenazi Jewish, Finnish, European (Non-Finnish), and Latino populations. The c.10822-8del variant is located in the 3' splice region but does not affect the invariant -1 and -2 positions. However, positions -3 and -5 to -12 are part of the splicing consensus sequence and variants involving these positions sometimes affect splicing. In addition 1 of 4 in silico or computational prediction software programs (SpliceSiteFinder, MaxEntScan, NNSPLICE, GeneSplicer) predict a greater than 10% difference in splicing. However, this information is not predictive enough to assume pathogenicity. In summary, based on the above information the clinical significance of this variant cannot be determined with certainty at this time although we would lean towards a more benign role for this variant. This variant is classified as likely benign.

NM_001009944.3(PKD1):c.10822-8del

Genes: PKD1 (polycystin 1, transient receptor potential channel interacting; minus strand), PKD1-AS1 (PKD1 antisense RNA 1; plus strand). Cytogenetic location: 16p13.3.
Variant type: Deletion.
Coding change: c.10822-8del on transcript NM_001009944.3 (MANE Select); 8 bases into the intron before coding-DNA position 10822, one base deleted (C; older notation c.10822-8delC).
Molecular consequence: intron variant.
Genome position (GRCh38, 1-based): chr16:2,093,746, G deleted on the plus strand (C on the coding strand, the reverse complement: PKD1 is on the minus strand); the first of 5 consecutive G bases (chr16:2,093,746-2,093,750); deleting any one gives the same sequence. VCF-style (leftmost placement, unchanged base first): chr16-2093745-AG-A. GRCh37 (hg19) VCF-style: chr16-2143746-AG-A.
Other names: c.10819-8del (NM_000296.4); c.10822-8delC (NM_001009944.2).
Identifiers: ClinVar variation 256897 (VCV000256897.25), dbSNP rs373684171, ClinGen allele CA7829414.